The following is an entry in ClinVar:

NM_001946.4(DUSP6):c.566A>G (p.Asn189Ser)

Genes: DUSP6 (dual specificity phosphatase 6; minus strand), POC1B-DUSP6 (POC1B-DUSP6 readthrough; minus strand). Cytogenetic location: 12q21.33.
Variant type: single nucleotide variant.
Coding change: c.566A>G on transcript NM_001946.4 (MANE Select); coding-DNA position 566, A replaced by G.
Protein change: p.Asn189Ser; replaces asparagine 189 with serine.
Molecular consequence: missense variant. On other transcripts: intron variant (1).
Genome position (GRCh38, 1-based): chr12:89,350,860, T>C on the plus strand (A>G on the coding strand, the complement: DUSP6 is on the minus strand). VCF-style: chr12-89350860-T-C. GRCh37 (hg19) VCF-style: chr12-89744637-T-C.
Other names: c.400+780A>G (NM_022652.4); short protein forms N189S.
Identifiers: ClinVar variation 50854 (VCV000050854.19), dbSNP rs143946794, ClinGen allele CA143806.

ClinVar aggregate classification (germline): Conflicting classifications of pathogenicity. Review status: criteria provided, conflicting classifications (1 of 4 stars). 3 submissions from 3 submitters: Uncertain significance (1); Likely benign (1). 1 of the submissions does not count toward it. Last evaluated 2025-12-15.

Conditions:
Hypogonadotropic hypogonadism 19 with or without anosmia (HH19). Also called: HYPOGONADOTROPIC HYPOGONADISM 19 WITH ANOSMIA; HYPOGONADOTROPIC HYPOGONADISM 19 WITH ANOSMIA, SUSCEPTIBILITY TO; HYPOGONADOTROPIC HYPOGONADISM 19 WITHOUT ANOSMIA. Identifiers: Orphanet 478, MedGen C3808981, MONDO:0014105, OMIM 615269.

Allele frequency attached by ClinVar (database versions not stated): TOPMed 0.00017; ExAC 0.00018; gnomAD 0.00018 and 0.00019; gnomAD exomes 0.00019 and 0.00025; 1000 Genomes Project 30x 0.00031; ESP Exome Variant Server 0.00038.

Submissions (3):

Labcorp Genetics (formerly Invitae), Labcorp
Classification: Uncertain significance. Last evaluated: 2025-12-15. Review status: criteria provided, single submitter. Criteria: Invitae Variant Classification Sherloc (09022015). Collection method: clinical testing. Allele origin: germline.
Comment: This sequence change replaces asparagine, which is neutral and polar, with serine, which is neutral and polar, at codon 189 of the DUSP6 protein (p.Asn189Ser). This variant is present in population databases (rs143946794, gnomAD 0.04%). This missense change has been observed in individual(s) with infertility and/or Kallman syndrome (PMID: 23643382, 36920765, 38593951). ClinVar contains an entry for this variant (Variation ID: 50854). An algorithm developed to predict the effect of missense changes on protein structure and function outputs the following: PolyPhen-2: "Benign". The serine amino acid residue is found in multiple mammalian species, which suggests that this missense change does not adversely affect protein function. In summary, the available evidence is currently insufficient to determine the role of this variant in disease. Therefore, it has been classified as a Variant of Uncertain Significance.

CeGaT Center for Human Genetics Tuebingen
Classification: Likely benign. Last evaluated: 2025-01-01. Review status: criteria provided, single submitter. Criteria: CeGaT Center For Human Genetics Tuebingen Variant Classification Criteria Version 2. Collection method: clinical testing. Allele origin: germline. Affected: yes. Observed: 1 variant allele.
Comment: DUSP6: BP4

OMIM
Classification: Pathogenic for HYPOGONADOTROPIC HYPOGONADISM 19 WITH ANOSMIA. Last evaluated: 2013-05-02. Review status: no assertion criteria provided. Collection method: literature only. Allele origin: germline. Not counted in ClinVar's aggregate classification.

Literature cited by the submitters: PubMed 23643382 (cited by Labcorp Genetics (formerly Invitae), Labcorp and OMIM); PubMed 36920765 (cited by Labcorp Genetics (formerly Invitae), Labcorp); PubMed 38593951 (cited by Labcorp Genetics (formerly Invitae), Labcorp).